The following is an entry in ClinVar:

NM_000334.4(SCN4A):c.4459C>T (p.Leu1487Phe)

Genes: GH-LCR (growth hormone locus control region; plus strand), SCN4A (sodium voltage-gated channel alpha subunit 4; minus strand). Cytogenetic location: 17q23.3.
Variant type: single nucleotide variant.
Coding change: c.4459C>T on transcript NM_000334.4 (MANE Select); coding-DNA position 4459, C replaced by T.
Protein change: p.Leu1487Phe; replaces leucine 1487 with phenylalanine.
Molecular consequence: missense variant.
Genome position (GRCh38, 1-based): chr17:63,941,823, G>A on the plus strand (C>T on the coding strand, the complement: SCN4A is on the minus strand). VCF-style: chr17-63941823-G-A. GRCh37 (hg19) VCF-style: chr17-62019183-G-A.
Other names: short protein forms L1487F.
Identifiers: ClinVar variation 934324 (VCV000934324.1), dbSNP rs1908545064, ClinGen allele CA400615978.

ClinVar aggregate classification (germline): Uncertain significance (1 of 4 stars; one submission).

Conditions:
Hyperkalemic periodic paralysis. Also called: Familial hyperkalemic periodic paralysis; Gamstorp disease. Identifiers: Orphanet 682, MedGen C0238357, MONDO:0008224, OMIM 170500, HP:0007215.

Allele frequency attached by ClinVar (database versions not stated): gnomAD exomes below 0.00001.

Submission:

Labcorp Genetics (formerly Invitae), Labcorp
Classification: Uncertain significance for Hyperkalemic Periodic Paralysis Type 1. Last evaluated: 2019-09-04. Review status: criteria provided, single submitter. Criteria: Invitae Variant Classification Sherloc (09022015). Collection method: clinical testing. Allele origin: germline.
Comment: This sequence change replaces leucine with phenylalanine at codon 1487 of the SCN4A protein (p.Leu1487Phe). The leucine residue is highly conserved and there is a small physicochemical difference between leucine and phenylalanine. This variant is not present in population databases (ExAC no frequency). This variant has not been reported in the literature in individuals with SCN4A-related conditions. Algorithms developed to predict the effect of missense changes on protein structure and function are either unavailable or do not agree on the potential impact of this missense change (SIFT: "Deleterious"; PolyPhen-2: "Probably Damaging"; Align-GVGD: "Class C15"). In summary, the available evidence is currently insufficient to determine the role of this variant in disease. Therefore, it has been classified as a Variant of Uncertain Significance.